The following is an entry in ClinVar:

NM_022455.5(NSD1):c.4967-2A>G

Gene: NSD1 (nuclear receptor binding SET domain protein 1; plus strand). Cytogenetic location: 5q35.3.
Variant type: single nucleotide variant.
Coding change: c.4967-2A>G on transcript NM_022455.5 (MANE Select); the canonical splice acceptor site of the intron before coding-DNA position 4967, A replaced by G.
Molecular consequence: splice acceptor variant.
Genome position (GRCh38, 1-based): chr5:177,259,987, A>G. VCF-style: chr5-177259987-A-G. GRCh37 (hg19) VCF-style: chr5-176686988-A-G.
Other names: c.4967-2A>G (NM_001409301.1, NM_001409302.1, NM_001409303.1); c.4547-2A>G (NM_001409304.1); c.4214-2A>G (NM_001409305.1); c.4205-2A>G (NM_001409306.1, NM_001409307.1); c.4094-2A>G (NM_001409308.1, NM_172349.5, NM_001409309.1 and 1 more transcripts).
Identifiers: ClinVar variation 4856246 (VCV004856246.1).

ClinVar aggregate classification (germline): Likely pathogenic (1 of 4 stars; one submission).

Conditions:
Sotos syndrome (SOTOS). Also called: CHROMOSOME 5q35 DELETION SYNDROME; CEREBRAL GIGANTISM; Sotos' syndrome; Distinctive facial appearance, overgrowth in childhood, and learning disabilities or delayed development; SOTOS SYNDROME 1. Identifiers: Orphanet 821, MedGen C0175695, MONDO:0019349, OMIM 117550.

Submission:

3billion
Classification: Likely pathogenic for Sotos syndrome. Last evaluated: 2026-01-11. Review status: criteria provided, single submitter. Criteria: ACMG Guidelines, 2015. Collection method: clinical testing. Allele origin: germline. Affected: yes.
Comment: The variant is not observed in the gnomAD v4.1.0 dataset. Predicted Consequence/Location: Canonical splice site: predicted to alter splicing and result in a loss or disruption of normal protein function. Multiple pathogenic loss-of-function variants are reported downstream of the variant. In silico tools predict the variant to alter splicing and produce an abnormal transcript [SpliceAI: 0.99 (spliceogenicity >=0.2, non-spliceogenicity <0.1)]. Therefore, this variant is classified as Likely pathogenic according to the recommendation of ACMG/AMP guideline.